The following is an entry in ClinVar:

ClinVar aggregate classification (germline): Conflicting classifications of pathogenicity. Review status: criteria provided, conflicting classifications (1 of 4 stars). 8 submissions from 8 submitters: Uncertain significance (6); Likely benign (2). Last evaluated 2026-07-10.

Conditions:
NF1-related disorder. Also called: NF1-related condition. Identifiers: MedGen CN379171.
Neurofibromatosis, familial spinal (FSNF). Identifiers: Orphanet 636, MedGen C1834235, MONDO:0008078, OMIM 162210. Disease mechanism: loss of function.
Neurofibromatosis, type 1 (NF1). Also called: VON RECKLINGHAUSEN DISEASE; Neurofibromatosis, type I; Peripheral type neurofibromatosis; NEUROFIBROMATOSIS, TYPE I, SOMATIC. Identifiers: Orphanet 636, MedGen C0027831, MONDO:0018975, OMIM 162200. Disease mechanism: loss of function.
Neurofibromatosis-Noonan syndrome (NFNS). Also called: NEUROFIBROMATOSIS WITH NOONAN PHENOTYPE. Identifiers: Orphanet 638, MedGen C2931482, MONDO:0011035, OMIM 601321. Disease mechanism: loss of function.
Juvenile myelomonocytic leukemia (JMML). Also called: LEUKEMIA, JUVENILE MYELOMONOCYTIC, SOMATIC. Identifiers: Orphanet 86834, MedGen C0349639, MONDO:0011908, OMIM 607785, HP:0012209.
Café-au-lait macules with pulmonary stenosis (WTSN). Also called: PULMONIC STENOSIS WITH CAFE-AU-LAIT SPOTS. Identifiers: MedGen C0553586, MONDO:0008672, OMIM 193520.
Hereditary cancer-predisposing syndrome. Also called: Neoplastic Syndromes, Hereditary; Hereditary neoplastic syndrome; Hereditary Cancer Syndrome; Tumor predisposition. Identifiers: Orphanet 140162, MedGen C0027672, MeSH D009386, MONDO:0015356.
Cardiovascular phenotype. Identifiers: MedGen CN230736.

Allele frequency attached by ClinVar (database versions not stated): gnomAD 0.00001; gnomAD exomes 0.00001; TOPMed below 0.00001.
gnomAD v4.1: 35 of 1,614,088 alleles (0.0022%); highest among the groups gnomAD compares: Non-Finnish European, 0.0029%; no homozygotes.

Submissions (8):

Ambry Genetics
Classification: Likely benign for Cardiovascular phenotype; Hereditary cancer-predisposing syndrome. Last evaluated: 2026-07-10. Review status: criteria provided, single submitter. Criteria: Ambry Variant Classification Scheme 2023. Collection method: clinical testing. Allele origin: germline.

PreventionGenetics, part of Exact Sciences
Classification: Uncertain significance for NF1-related condition. Last evaluated: 2026-06-01. Review status: criteria provided, single submitter. Criteria: ACMG Guidelines, 2015. Collection method: clinical testing. Allele origin: germline.
Comment: The NF1 c.5351A>T variant is predicted to result in the amino acid substitution p.Tyr1784Phe. To our knowledge, this variant has not been reported in the literature. This variant is reported in 0.0018% of alleles in individuals of European (Non-Finnish) descent in gnomAD and has conflicting interpretations in ClinVar ranging from likely benign to uncertain (Variation ID: 480122). At this time, the clinical significance of this variant is uncertain due to the absence of conclusive functional and genetic evidence.

Labcorp Genetics (formerly Invitae), Labcorp
Classification: Likely benign for Neurofibromatosis, type 1. Last evaluated: 2025-11-30. Review status: criteria provided, single submitter. Criteria: Invitae Variant Classification Sherloc (09022015). Collection method: clinical testing. Allele origin: germline.

GeneDx
Classification: Uncertain significance. Last evaluated: 2025-01-28. Review status: criteria provided, single submitter. Criteria: GeneDx Variant Classification Process June 2021. Collection method: clinical testing. Allele origin: germline. Affected: yes.
Comment: In silico analysis supports that this missense variant has a deleterious effect on protein structure/function; Has not been previously published as pathogenic or benign to our knowledge; This variant is associated with the following publications: (PMID: 29531323)

Fulgent Genetics
Classification: Uncertain significance for Neurofibromatosis, type 1; Neurofibromatosis, familial spinal; Café-au-lait macules with pulmonary stenosis; Neurofibromatosis-Noonan syndrome; Juvenile myelomonocytic leukemia. Last evaluated: 2024-06-06. Review status: criteria provided, single submitter. Criteria: ACMG Guidelines, 2015. Collection method: clinical testing. Allele origin: germline.

Genomic Medicine Center of Excellence, King Faisal Specialist Hospital and Research Centre
Classification: Uncertain significance for Neurofibromatosis, type 1. Last evaluated: 2024-03-25. Review status: criteria provided, single submitter. Criteria: ACMG Guidelines, 2015. Collection method: research. Allele origin: germline.

Genome-Nilou Lab
Classification: Uncertain significance for Neurofibromatosis, type 1. Last evaluated: 2022-03-15. Review status: criteria provided, single submitter. Criteria: ACMG Guidelines, 2015. Collection method: clinical testing. Allele origin: germline. Affected: no.

Blueprint Genetics
Classification: Uncertain significance. Last evaluated: 2021-11-24. Review status: criteria provided, single submitter. Criteria: ACMG Guidelines, 2015. Collection method: clinical testing. Allele origin: germline.

NM_001042492.3(NF1):c.5351A>T (p.Tyr1784Phe)

Gene: NF1 (neurofibromin 1; plus strand). Cytogenetic location: 17q11.2.
Variant type: single nucleotide variant.
Coding change: c.5351A>T on transcript NM_001042492.3 (MANE Select); coding-DNA position 5351, A replaced by T.
Protein change: p.Tyr1784Phe; replaces tyrosine 1784 with phenylalanine.
Molecular consequence: missense variant.
Genome position (GRCh38, 1-based): chr17:31,327,581, A>T. VCF-style: chr17-31327581-A-T. GRCh37 (hg19) VCF-style: chr17-29654599-A-T.
Other names: c.5288A>T, p.Tyr1763Phe (NM_000267.4); short protein forms Y1784F, Y1763F.
Identifiers: ClinVar variation 480122 (VCV000480122.24), dbSNP rs1060500280, ClinGen allele CA399009243.